The following is an entry in ClinVar:

NM_000834.5(GRIN2B):c.803_804del (p.Thr268fs)

Gene: GRIN2B (glutamate ionotropic receptor NMDA type subunit 2B; minus strand). Cytogenetic location: 12p13.1.
Variant type: Microsatellite.
Coding change: c.803_804del on transcript NM_000834.5 (MANE Select); coding-DNA positions 803 to 804, 2 bases deleted (CA; older notation c.803_804delCA).
Protein change: p.Thr268fs; shifts the reading frame from threonine 268.
Molecular consequence: frameshift variant.
Genome position (GRCh38, 1-based): chr12:13,753,523-13,753,524, TG deleted on the plus strand (CA on the coding strand, the reverse complement: GRIN2B is on the minus strand); deleting any 2 consecutive bases within chr12:13,753,523-13,753,527 gives the same sequence; the c. name uses the placement nearest the transcript's 3' end. VCF-style (leftmost placement, unchanged base first): chr12-13753522-CTG-C. GRCh37 (hg19) VCF-style: chr12-13906456-CTG-C.
Other names: c.803_804delCA (NM_000834.3); short protein forms T268fs.
Identifiers: ClinVar variation 29729 (VCV000029729.3), dbSNP rs1060499526, ClinGen allele CA16609334.

ClinVar aggregate classification (germline): Pathogenic. Review status: criteria provided, single submitter (1 of 4 stars). 2 submissions from 2 submitters: Pathogenic (1). 1 of the submissions does not count toward it. Last evaluated 2017-04-04.

Conditions:
Intellectual developmental disorder, autosomal dominant 6, with or without seizures. Also called: GRIN2B-related developmental delay, intellectual disability and autism spectrum disorder; Intellectual disability, autosomal dominant 6. Identifiers: Orphanet 589547, MedGen C3151411, MONDO:0013509, OMIM 613970.

Submissions (2):

Institute of Human Genetics, University of Leipzig Medical Center
Classification: Pathogenic for Intellectual developmental disorder, autosomal dominant 6, with or without seizures. Last evaluated: 2017-04-04. Review status: criteria provided, single submitter. Criteria: ACMG Guidelines, 2015. Collection method: clinical testing. Allele origin: de novo. Affected: yes.
Comment: This variant was identified as de novo (maternity and paternity confirmed).

OMIM
Classification: Pathogenic for INTELLECTUAL DEVELOPMENTAL DISORDER, AUTOSOMAL DOMINANT 6. Last evaluated: 2010-11-01. Review status: no assertion criteria provided. Collection method: literature only. Allele origin: germline. Not counted in ClinVar's aggregate classification.

Literature cited by the submitters: PubMed 28377535 (cited by Institute of Human Genetics, University of Leipzig Medical Center); PubMed 20890276 (cited by OMIM).